The following is an entry in ClinVar:

ClinVar aggregate classification (germline): Conflicting classifications of pathogenicity. Review status: criteria provided, conflicting classifications (1 of 4 stars). 2 submissions from 2 submitters: Likely pathogenic (1); Uncertain significance (1). Last evaluated 2018-12-15.

Conditions:
Charcot-Marie-Tooth disease axonal type 2O. Also called: Charcot-Marie-Tooth Neuropathy Type 2O; CHARCOT-MARIE-TOOTH NEUROPATHY, AXONAL, TYPE 2O; CHARCOT-MARIE-TOOTH DISEASE, AXONAL, AUTOSOMAL DOMINANT, TYPE 2O; Charcot-Marie-Tooth disease, axonal, type 20. Identifiers: Orphanet 284232, MedGen C3280220, MONDO:0013644, OMIM 614228.

Submissions (2):

Labcorp Genetics (formerly Invitae), Labcorp
Classification: Uncertain significance for Charcot-Marie-Tooth disease axonal type 2O. Last evaluated: 2018-12-15. Review status: criteria provided, single submitter. Criteria: Invitae Variant Classification Sherloc (09022015). Collection method: clinical testing. Allele origin: germline.
Comment: In summary, the available evidence is currently insufficient to determine the role of this variant in disease. Therefore, it has been classified as a Variant of Uncertain Significance. This variant disrupts the p.Arg251 amino acid residue in DYNC1H1. Another variant that disrupts this residue has been observed in individuals with DYNC1H1-related conditions (PMID: 26392352, Invitae), suggesting that it is a clinically significant residue. As a result, variants that disrupt this residue are likely to be causative of disease. Algorithms developed to predict the effect of missense changes on protein structure and function are either unavailable or do not agree on the potential impact of this missense change (SIFT: "Deleterious"; PolyPhen-2: "Benign"; Align-GVGD: "Class C0"). This variant has not been reported in the literature in individuals with DYNC1H1-related conditions. ClinVar contains an entry for this variant (Variation ID: 245868). This variant is not present in population databases (ExAC no frequency). This sequence change replaces arginine with glycine at codon 251 of the DYNC1H1 protein (p.Arg251Gly). The arginine residue is highly conserved and there is a moderate physicochemical difference between arginine and glycine.

GeneDx
Classification: Likely pathogenic. Last evaluated: 2017-08-08. Review status: criteria provided, single submitter. Criteria: GeneDx Variant Classification Process June 2021. Collection method: clinical testing. Allele origin: germline. Affected: yes.
Comment: Missense variants in this gene are often considered pathogenic (Stenson et al., 2014)

Literature cited by the submitters: PubMed 26392352 (cited by Labcorp Genetics (formerly Invitae), Labcorp).

NM_001376.5(DYNC1H1):c.751C>G (p.Arg251Gly)

Gene: DYNC1H1 (dynein cytoplasmic 1 heavy chain 1; plus strand). Cytogenetic location: 14q32.31.
Variant type: single nucleotide variant.
Coding change: c.751C>G on transcript NM_001376.5 (MANE Select); coding-DNA position 751, C replaced by G.
Protein change: p.Arg251Gly; replaces arginine 251 with glycine.
Molecular consequence: missense variant.
Genome position (GRCh38, 1-based): chr14:101,979,951, C>G. VCF-style: chr14-101979951-C-G. GRCh37 (hg19) VCF-style: chr14-102446288-C-G.
Other names: short protein forms R251G.
Identifiers: ClinVar variation 245868 (VCV000245868.12), dbSNP rs879253979, ClinGen allele CA10584453.
Genomic context (GRCh38, chr14:101,979,951, plus strand): 5'-GACTTTGGTGATAAGGTTGAAGACCCAACATTTCTTAATCAGTTACAATCTGGAGTTAAC[C>G]GCTGGATCCGAGAAATTCAAAAAGTAAGAGCACAGGATTGAAAGTTATGTAAAATATGTT-3'
Protein context (NP_001367.2, residues 241-261): FLNQLQSGVN[Arg251Gly]WIREIQKVTK